The following is an entry in ClinVar:

NM_000702.4(ATP1A2):c.1159G>A (p.Ala387Thr)

Gene: ATP1A2 (ATPase Na+/K+ transporting subunit alpha 2; plus strand). Cytogenetic location: 1q23.2.
Variant type: single nucleotide variant.
Coding change: c.1159G>A on transcript NM_000702.4 (MANE Select); coding-DNA position 1159, G replaced by A.
Protein change: p.Ala387Thr; replaces alanine 387 with threonine.
Molecular consequence: missense variant.
Genome position (GRCh38, 1-based): chr1:160,128,793, G>A. VCF-style: chr1-160128793-G-A. GRCh37 (hg19) VCF-style: chr1-160098583-G-A.
Other names: short protein forms A387T.
Identifiers: ClinVar variation 2900546 (VCV002900546.4), dbSNP rs2524868304, ClinGen allele CA343239603.

ClinVar aggregate classification (germline): Uncertain significance. Review status: criteria provided, single submitter (1 of 4 stars). 2 submissions from 2 submitters: Uncertain significance (1). 1 of the submissions does not count toward it. Last evaluated 2023-05-11.

Conditions:
Fetal akinesia, respiratory insufficiency, microcephaly, polymicrogyria, and dysmorphic facies. Identifiers: MedGen C5562015, MONDO:0859204, OMIM 619602.
Familial hemiplegic migraine. Identifiers: MedGen C0338484, MONDO:0000700.

Allele frequency attached by ClinVar (database versions not stated): gnomAD exomes below 0.00001.
gnomAD v4.1: 6 of 1,614,068 alleles (0.00037%); highest among the groups gnomAD compares: African/African-American, 0.0027%; no homozygotes.

Submissions (2):

Labcorp Genetics (formerly Invitae), Labcorp
Classification: Uncertain significance for Familial hemiplegic migraine. Last evaluated: 2023-05-11. Review status: criteria provided, single submitter. Criteria: Invitae Variant Classification Sherloc (09022015). Collection method: clinical testing. Allele origin: germline.
Comment: This sequence change replaces alanine, which is neutral and non-polar, with threonine, which is neutral and polar, at codon 387 of the ATP1A2 protein (p.Ala387Thr). In summary, the available evidence is currently insufficient to determine the role of this variant in disease. Therefore, it has been classified as a Variant of Uncertain Significance. Advanced modeling of protein sequence and biophysical properties (such as structural, functional, and spatial information, amino acid conservation, physicochemical variation, residue mobility, and thermodynamic stability) performed at Invitae indicates that this missense variant is not expected to disrupt ATP1A2 protein function. This variant has not been reported in the literature in individuals affected with ATP1A2-related conditions. This variant is not present in population databases (gnomAD no frequency).

Solve-RD Consortium
Classification: Likely pathogenic for Fetal akinesia, respiratory insufficiency, microcephaly, polymicrogyria, and dysmorphic facies. Last evaluated: 2022-06-01. Review status: no assertion criteria provided. Collection method: provider interpretation. Allele origin: de novo. Affected: yes. Not counted in ClinVar's aggregate classification.
Comment: Variant confirmed as disease-causing by referring clinical team

Variant identified during reanalysis of unsolved cases by the Solve-RD project. The Solve-RD project has received funding from the European Union’s Horizon 2020 research and innovation programme under grant agreement No 779257.

Literature cited by the submitters: PubMed 39825153 (cited by Solve-RD Consortium).